The following is an entry in ClinVar:

NM_024422.6(DSC2):c.710A>G (p.Asn237Ser)

Gene: DSC2 (desmocollin 2; minus strand). Cytogenetic location: 18q12.1.
Variant type: single nucleotide variant.
Coding change: c.710A>G on transcript NM_024422.6 (MANE Select); coding-DNA position 710, A replaced by G.
Protein change: p.Asn237Ser; replaces asparagine 237 with serine.
Molecular consequence: missense variant.
Genome position (GRCh38, 1-based): chr18:31,087,734, T>C on the plus strand (A>G on the coding strand, the complement: DSC2 is on the minus strand). VCF-style: chr18-31087734-T-C. GRCh37 (hg19) VCF-style: chr18-28667697-T-C.
Other names: c.281A>G, p.Asn94Ser (NM_001406506.1, NM_001406507.1); c.710A>G, p.Asn237Ser (NM_004949.5); short protein forms N94S, N237S.
Identifiers: ClinVar variation 3651890 (VCV003651890.2).

ClinVar aggregate classification (germline): Uncertain significance (1 of 4 stars; one submission).

Conditions:
Arrhythmogenic right ventricular dysplasia 11. Also called: ARRHYTHMOGENIC RIGHT VENTRICULAR DYSPLASIA, FAMILIAL, 11; Arrhythmogenic Right Ventricular Dysplasia/Cardiomyopathy11; Arrhythmogenic right ventricular dysplasia 11 with mild palmoplantar keratoderma and woolly hair. Identifiers: MedGen C1864850, MONDO:0012506, OMIM 610476.

Submission:

Labcorp Genetics (formerly Invitae), Labcorp
Classification: Uncertain significance for Arrhythmogenic right ventricular dysplasia 11. Last evaluated: 2024-05-10. Review status: criteria provided, single submitter. Criteria: Invitae Variant Classification Sherloc (09022015). Collection method: clinical testing. Allele origin: germline.
Comment: This sequence change replaces asparagine, which is neutral and polar, with serine, which is neutral and polar, at codon 237 of the DSC2 protein (p.Asn237Ser). This variant is not present in population databases (gnomAD no frequency). This variant has not been reported in the literature in individuals affected with DSC2-related conditions. Advanced modeling of protein sequence and biophysical properties (such as structural, functional, and spatial information, amino acid conservation, physicochemical variation, residue mobility, and thermodynamic stability) performed at Invitae indicates that this missense variant is expected to disrupt DSC2 protein function with a positive predictive value of 80%. In summary, the available evidence is currently insufficient to determine the role of this variant in disease. Therefore, it has been classified as a Variant of Uncertain Significance.